The following is an entry in ClinVar:

NM_021939.4(FKBP10):c.*10A>T

Gene: FKBP10 (FKBP prolyl isomerase 10; plus strand). Cytogenetic location: 17q21.2.
Variant type: single nucleotide variant.
Coding change: c.*10A>T on transcript NM_021939.4 (MANE Select); 10 bases downstream of the stop codon, A replaced by T.
Molecular consequence: 3 prime UTR variant.
Genome position (GRCh38, 1-based): chr17:41,822,418, A>T. VCF-style: chr17-41822418-A-T. GRCh37 (hg19) VCF-style: chr17-39978670-A-T.
Identifiers: ClinVar variation 3030234 (VCV003030234.2), dbSNP rs1266127593, ClinGen allele CA772048075.

ClinVar aggregate classification (germline): Likely benign (0 of 4 stars; one submission).

Conditions:
FKBP10-related disorder. Also called: FKBP10-related condition.

Allele frequency attached by ClinVar (database versions not stated): gnomAD exomes below 0.00001; TOPMed 0.00002.

Submission:

PreventionGenetics, part of Exact Sciences
Classification: Likely benign for FKBP10-related condition. Last evaluated: 2020-12-21. Review status: no assertion criteria provided. Collection method: clinical testing. Allele origin: germline.
Comment: This variant is classified as likely benign based on ACMG/AMP sequence variant interpretation guidelines (Richards et al. 2015 PMID: 25741868, with internal and published modifications).